The following is an entry in ClinVar:

ClinVar aggregate classification (germline): Uncertain significance. Review status: criteria provided, multiple submitters, no conflicts (2 of 4 stars). 2 submissions from 2 submitters: Uncertain significance (2). Last evaluated 2023-05-05.

Conditions:
Familial cancer of breast. Also called: hereditary breast carcinoma; Hereditary breast cancer; BREAST CANCER, FAMILIAL. Identifiers: Orphanet 227535, MedGen C0346153, MONDO:0016419, OMIM 114480. Disease mechanism: loss of function.
Fanconi anemia complementation group J. Also called: BRIP1-Related Fanconi Anemia. Identifiers: Orphanet 84, MedGen C1836860, MONDO:0012187, OMIM 609054.
Hereditary cancer-predisposing syndrome. Also called: Tumor predisposition; Neoplastic Syndromes, Hereditary; Hereditary neoplastic syndrome; Hereditary Cancer Syndrome. Identifiers: Orphanet 140162, MedGen C0027672, MeSH D009386, MONDO:0015356.

Submissions (2):

Ambry Genetics
Classification: Uncertain significance for Hereditary cancer-predisposing syndrome. Last evaluated: 2023-05-05. Review status: criteria provided, single submitter. Criteria: Ambry Variant Classification Scheme 2023. Collection method: clinical testing. Allele origin: germline.
Comment: The p.K966E variant (also known as c.2896A>G), located in coding exon 18 of the BRIP1 gene, results from an A to G substitution at nucleotide position 2896. The lysine at codon 966 is replaced by glutamic acid, an amino acid with similar properties. This amino acid position is conserved. In addition, this alteration is predicted to be tolerated by in silico analysis. Since supporting evidence is limited at this time, the clinical significance of this alteration remains unclear.

Labcorp Genetics (formerly Invitae), Labcorp
Classification: Uncertain significance for Familial cancer of breast; Fanconi anemia complementation group J. Last evaluated: 2022-01-31. Review status: criteria provided, single submitter. Criteria: Invitae Variant Classification Sherloc (09022015). Collection method: clinical testing. Allele origin: germline.
Comment: This sequence change replaces lysine, which is basic and polar, with glutamic acid, which is acidic and polar, at codon 966 of the BRIP1 protein (p.Lys966Glu). In summary, the available evidence is currently insufficient to determine the role of this variant in disease. Therefore, it has been classified as a Variant of Uncertain Significance. Algorithms developed to predict the effect of missense changes on protein structure and function (SIFT, PolyPhen-2, Align-GVGD) all suggest that this variant is likely to be tolerated. This variant has not been reported in the literature in individuals affected with BRIP1-related conditions. This variant is not present in population databases (gnomAD no frequency).

NM_032043.3(BRIP1):c.2896A>G (p.Lys966Glu)

Gene: BRIP1 (BRCA1 interacting DNA helicase 1; minus strand). Cytogenetic location: 17q23.2.
Variant type: single nucleotide variant.
Coding change: c.2896A>G on transcript NM_032043.3 (MANE Select); coding-DNA position 2896, A replaced by G.
Protein change: p.Lys966Glu; replaces lysine 966 with glutamic acid.
Molecular consequence: missense variant.
Genome position (GRCh38, 1-based): chr17:61,685,845, T>C on the plus strand (A>G on the coding strand, the complement: BRIP1 is on the minus strand). VCF-style: chr17-61685845-T-C. GRCh37 (hg19) VCF-style: chr17-59763206-T-C.
Other names: short protein forms K966E.
Identifiers: ClinVar variation 2091204 (VCV002091204.6), dbSNP rs2544569585, ClinGen allele CA400481136.